The following is an entry in ClinVar:

NM_005431.2(XRCC2):c.19A>G (p.Arg7Gly)

Gene: XRCC2 (X-ray repair cross complementing 2; minus strand). Cytogenetic location: 7q36.1.
Variant type: single nucleotide variant.
Coding change: c.19A>G on transcript NM_005431.2 (MANE Select); coding-DNA position 19, A replaced by G.
Protein change: p.Arg7Gly; replaces arginine 7 with glycine.
Molecular consequence: missense variant.
Genome position (GRCh38, 1-based): chr7:152,676,061, T>C on the plus strand (A>G on the coding strand, the complement: XRCC2 is on the minus strand). VCF-style: chr7-152676061-T-C. GRCh37 (hg19) VCF-style: chr7-152373146-T-C.
Other names: short protein forms R7G.
Identifiers: ClinVar variation 2625103 (VCV002625103.2), dbSNP rs1337184659, ClinGen allele CA370199613.

ClinVar aggregate classification (germline): Uncertain significance (1 of 4 stars; one submission).

Conditions:
Hereditary cancer-predisposing syndrome. Also called: Tumor predisposition; Hereditary Cancer Syndrome; Hereditary neoplastic syndrome; Neoplastic Syndromes, Hereditary. Identifiers: Orphanet 140162, MedGen C0027672, MeSH D009386, MONDO:0015356.

Submission:

Ambry Genetics
Classification: Uncertain significance for Hereditary cancer-predisposing syndrome. Last evaluated: 2023-07-15. Review status: criteria provided, single submitter. Criteria: Ambry Variant Classification Scheme 2023. Collection method: clinical testing. Allele origin: germline.
Comment: The p.R7G variant (also known as c.19A>G), located in coding exon 1 of the XRCC2 gene, results from an A to G substitution at nucleotide position 19. The arginine at codon 7 is replaced by glycine, an amino acid with dissimilar properties. This amino acid position is conserved. In addition, this alteration is predicted to be tolerated by in silico analysis. Since supporting evidence is limited at this time, the clinical significance of this alteration remains unclear.